The following is an entry in ClinVar:

NM_001111.5(ADAR):c.3289C>T (p.His1097Tyr)

Gene: ADAR (adenosine deaminase RNA specific; minus strand). Cytogenetic location: 1q21.3.
Variant type: single nucleotide variant.
Coding change: c.3289C>T on transcript NM_001111.5 (MANE Select); coding-DNA position 3289, C replaced by T.
Protein change: p.His1097Tyr; replaces histidine 1097 with tyrosine.
Molecular consequence: missense variant.
Genome position (GRCh38, 1-based): chr1:154,585,779, G>A on the plus strand (C>T on the coding strand, the complement: ADAR is on the minus strand). VCF-style: chr1-154585779-G-A. GRCh37 (hg19) VCF-style: chr1-154558255-G-A.
Other names: c.2404C>T, p.His802Tyr (NM_001025107.3, NM_001193495.2, NM_001365046.1 and 2 more transcripts); c.3316C>T, p.His1106Tyr (NM_001365045.1); c.2326C>T, p.His776Tyr (NM_001365049.1); c.3211C>T, p.His1071Tyr (NM_015840.4); c.3154C>T, p.His1052Tyr (NM_015841.4); short protein forms H1052Y, H1071Y, H1097Y, H1106Y, H776Y, H802Y.
Identifiers: ClinVar variation 1059197 (VCV001059197.7), dbSNP rs200537032, ClinGen allele CA1131000.

ClinVar aggregate classification (germline): Uncertain significance (1 of 4 stars; one submission).

Conditions:
Symmetrical dyschromatosis of extremities (DSH). Also called: Dyschromatosis symmetrica hereditaria; RETICULATE ACROPIGMENTATION OF DOHI; SYMMETRIC DYSCHROMATOSIS OF THE EXTREMITIES; DYSCHROMATOSIS SYMMETRICA HEREDITARIA 1. Identifiers: Orphanet 41, MedGen C0406775, MONDO:0007483, OMIM 127400.
Aicardi-Goutieres syndrome 6 (AGS6). Identifiers: Orphanet 51, MedGen C3539013, MONDO:0014007, OMIM 615010.

gnomAD v4.1: 7 of 1,613,826 alleles (0.00043%); highest among the groups gnomAD compares: South Asian, 0.0011%; no homozygotes.

Submission:

Labcorp Genetics (formerly Invitae), Labcorp
Classification: Uncertain significance for Aicardi-Goutieres syndrome 6; Symmetrical dyschromatosis of extremities. Last evaluated: 2025-06-19. Review status: criteria provided, single submitter. Criteria: Invitae Variant Classification Sherloc (09022015). Collection method: clinical testing. Allele origin: germline.
Comment: This sequence change replaces histidine, which is basic and polar, with tyrosine, which is neutral and polar, at codon 1097 of the ADAR protein (p.His1097Tyr). This variant is present in population databases (rs200537032, gnomAD 0.0009%). This variant has not been reported in the literature in individuals affected with ADAR-related conditions. ClinVar contains an entry for this variant (Variation ID: 1059197). Invitae Evidence Modeling of protein sequence and biophysical properties (such as structural, functional, and spatial information, amino acid conservation, physicochemical variation, residue mobility, and thermodynamic stability) indicates that this missense variant is not expected to disrupt ADAR protein function with a negative predictive value of 80%. In summary, the available evidence is currently insufficient to determine the role of this variant in disease. Therefore, it has been classified as a Variant of Uncertain Significance.